The following is an entry in ClinVar:

ClinVar aggregate classification (germline): Conflicting classifications of pathogenicity. Review status: criteria provided, conflicting classifications (1 of 4 stars). 3 submissions from 3 submitters: Uncertain significance (1); Likely benign (2). Last evaluated 2025-12-09.

Conditions:
Early-infantile DEE. Also called: Ohtahara syndrome; Early infantile epileptic encephalopathy; Early infantile epileptic encephalopathy with suppression bursts. Identifiers: Orphanet 1934, MedGen C0393706, MONDO:0800491.
Cerebellar atrophy with seizures and variable developmental delay. Identifiers: MedGen C5193132, MONDO:0032788, OMIM 618501.

Allele frequency attached by ClinVar (database versions not stated): TOPMed below 0.00001; gnomAD exomes 0.00007 and 0.00020; ExAC 0.00028; 1000 Genomes Project 0.00060.

Submissions (3):

Labcorp Genetics (formerly Invitae), Labcorp
Classification: Likely benign for Early-infantile DEE. Last evaluated: 2025-12-09. Review status: criteria provided, single submitter. Criteria: Invitae Variant Classification Sherloc (09022015). Collection method: clinical testing. Allele origin: germline.

Blueprint Genetics
Classification: Likely benign. Last evaluated: 2024-07-05. Review status: criteria provided, single submitter. Criteria: ACMG Guidelines, 2015. Collection method: clinical testing. Allele origin: germline.

Center for Genomics, Ann and Robert H. Lurie Children's Hospital of Chicago
Classification: Uncertain significance for Cerebellar atrophy with seizures and variable developmental delay. Last evaluated: 2021-03-30. Review status: criteria provided, single submitter. Criteria: ACMG Guidelines, 2015. Collection method: clinical testing. Allele origin: germline.
Comment: CACNA2D2 NM_006030.3 exon 37 c.3099-9dup: This variant has not been reported in the literature but is present in 0.1% (43/30614) of South Asian alleles in the Genome Aggregation Database. Evolutionary conservation and computational predictive tools for this variant are limited or unavailable. This variant is a duplication of 1 nucleotide in an intronic region with no predicted change in the amino acid sequence, but may have an unknown effect on splicing. Further studies are needed to understand its impact. In summary, data on this variant is insufficient for disease classification. Therefore, the clinical significance of this variant is uncertain.

NM_006030.4(CACNA2D2):c.3099-9dup

Genes: CACNA2D2 (calcium voltage-gated channel auxiliary subunit alpha2delta 2; minus strand), LOC127898564 (CYB561D2-LOC101928965; plus strand). Cytogenetic location: 3p21.31.
Variant type: Duplication.
Coding change: c.3099-9dup on transcript NM_006030.4 (MANE Select); 9 bases into the intron before coding-DNA position 3099, one base duplicated (T; older notation c.3099-9dupT).
Molecular consequence: intron variant.
Genome position (GRCh38, 1-based): chr3:50,365,193, A duplicated on the plus strand (T on the coding strand, the reverse complement: CACNA2D2 is on the minus strand). VCF-style (leftmost placement, unchanged base first): chr3-50365192-C-CA. GRCh37 (hg19) VCF-style: chr3-50402623-C-CA.
Other names: c.2892-9dup (NM_001291101.1); c.3099-9dup (NM_001005505.3); c.3120-9dup (NM_001174051.3).
Identifiers: ClinVar variation 626070 (VCV000626070.12), dbSNP rs587726240, ClinGen allele CA2418212.
Genomic context (GRCh38, chr3:50,365,192, plus strand): 5'-CGGCCACCACAAAGAGAAGATTGGTGTTGGTCAGTCTCTGCGCGTGGAACAGCCTGCGGG[C>CA]AGCCCGGAAAGGCGGGGCGTTGAGTTTGCCCCGCCCTGACCCACCCCCATCCTGCGGCCC-3'